The following is an entry in ClinVar:

ClinVar aggregate classification (germline): Uncertain significance (1 of 4 stars; one submission).

gnomAD v4.1: 1 of 1,613,552 alleles (0.000062%); highest among the groups gnomAD compares: Non-Finnish European, 0.000085%; no homozygotes.

Submission:

GeneDx
Classification: Uncertain significance. Last evaluated: 2024-05-10. Review status: criteria provided, single submitter. Criteria: GeneDx Variant Classification Process June 2021. Collection method: clinical testing. Allele origin: germline. Affected: yes.
Comment: Not observed at significant frequency in large population cohorts (gnomAD); In silico analysis indicates that this missense variant does not alter protein structure/function; Has not been previously published as pathogenic or benign to our knowledge

NM_033109.5(PNPT1):c.1408A>T (p.Ile470Leu)

Gene: PNPT1 (polyribonucleotide nucleotidyltransferase 1; minus strand). Cytogenetic location: 2p16.1.
Variant type: single nucleotide variant.
Coding change: c.1408A>T on transcript NM_033109.5 (MANE Select); coding-DNA position 1408, A replaced by T.
Protein change: p.Ile470Leu; replaces isoleucine 470 with leucine.
Molecular consequence: missense variant.
Genome position (GRCh38, 1-based): chr2:55,656,164, T>A on the plus strand (A>T on the coding strand, the complement: PNPT1 is on the minus strand). VCF-style: chr2-55656164-T-A. GRCh37 (hg19) VCF-style: chr2-55883299-T-A.
Other names: short protein forms I470L.
Identifiers: ClinVar variation 3375569 (VCV003375569.1).